The following is an entry in ClinVar:

ClinVar aggregate classification (germline): Uncertain significance (1 of 4 stars; one submission).

gnomAD v4.1: 2 of 1,613,738 alleles (0.00012%); highest among the groups gnomAD compares: Non-Finnish European, 0.00017%; no homozygotes.

Submission:

Labcorp Genetics (formerly Invitae), Labcorp
Classification: Uncertain significance. Last evaluated: 2021-08-31. Review status: criteria provided, single submitter. Criteria: Invitae Variant Classification Sherloc (09022015). Collection method: clinical testing. Allele origin: germline.
Comment: In summary, the available evidence is currently insufficient to determine the role of this variant in disease. Therefore, it has been classified as a Variant of Uncertain Significance. This sequence change replaces arginine with cysteine at codon 781 of the LRRC8A protein (p.Arg781Cys). The arginine residue is highly conserved and there is a large physicochemical difference between arginine and cysteine. This variant is not present in population databases (ExAC no frequency). This variant has not been reported in the literature in individuals affected with LRRC8A-related conditions. Algorithms developed to predict the effect of missense changes on protein structure and function are either unavailable or do not agree on the potential impact of this missense change (SIFT: "Deleterious"; PolyPhen-2: "Benign"; Align-GVGD: "Class C65").

NM_019594.4(LRRC8A):c.2341C>T (p.Arg781Cys)

Gene: LRRC8A (leucine rich repeat containing 8 VRAC subunit A; plus strand). Cytogenetic location: 9q34.11.
Variant type: single nucleotide variant.
Coding change: c.2341C>T on transcript NM_019594.4 (MANE Select); coding-DNA position 2341, C replaced by T.
Protein change: p.Arg781Cys; replaces arginine 781 with cysteine.
Molecular consequence: missense variant.
Genome position (GRCh38, 1-based): chr9:128,916,279, C>T. VCF-style: chr9-128916279-C-T. GRCh37 (hg19) VCF-style: chr9-131678558-C-T.
Other names: c.2341C>T, p.Arg781Cys (NM_001127244.2, NM_001127245.2); short protein forms R781C.
Identifiers: ClinVar variation 1428857 (VCV001428857.6), dbSNP rs1270591318, ClinGen allele CA375092922.